The following is an entry in ClinVar:

NM_001128178.3(NPHP1):c.1265G>A (p.Arg422His)

Gene: NPHP1 (nephrocystin 1; minus strand). Cytogenetic location: 2q13.
Variant type: single nucleotide variant.
Coding change: c.1265G>A on transcript NM_001128178.3 (MANE Select); coding-DNA position 1265, G replaced by A.
Protein change: p.Arg422His; replaces arginine 422 with histidine.
Molecular consequence: missense variant.
Genome position (GRCh38, 1-based): chr2:110,147,920, C>T on the plus strand (G>A on the coding strand, the complement: NPHP1 is on the minus strand). VCF-style: chr2-110147920-C-T. GRCh37 (hg19) VCF-style: chr2-110905497-C-T.
Other names: c.1262G>A, p.Arg421His (NM_001374256.1); c.1265G>A, p.Arg422His (NM_001374257.1); c.1430G>A, p.Arg477His (NM_207181.4); c.1433G>A (NM_000272.3); c.1433G>A, p.Arg478His (NM_000272.5); c.1076G>A, p.Arg359His (NM_001128179.3); short protein forms R422H, R478H, R359H, R421H, R477H.
Identifiers: ClinVar variation 1369011 (VCV001369011.7), dbSNP rs773810185, ClinGen allele CA348087794.

ClinVar aggregate classification (germline): Uncertain significance. Review status: criteria provided, multiple submitters, no conflicts (2 of 4 stars). 2 submissions from 2 submitters: Uncertain significance (2). Last evaluated 2024-10-07.

Conditions:
Nephronophthisis. Also called: Juvenile Nephronophthisis. Identifiers: Orphanet 655, MedGen C0687120, MONDO:0019005, HP:0000090.
NPHP1-related disorder. Also called: NPHP1-related disorders; NPHP1-related condition.

gnomAD v4.1: 4 of 1,542,802 alleles (0.00026%); highest among the groups gnomAD compares: East Asian, 0.0022%; no homozygotes.

Submissions (2):

PreventionGenetics, part of Exact Sciences
Classification: Uncertain significance for NPHP1-related condition. Last evaluated: 2024-10-07. Review status: criteria provided, single submitter. Criteria: ACMG Guidelines, 2015. Collection method: clinical testing. Allele origin: germline.
Comment: The NPHP1 c.1433G>A variant is predicted to result in the amino acid substitution p.Arg478His. To our knowledge, this variant has not been reported in the literature or in a large population database (gnomAD), indicating this variant is rare. At this time, the clinical significance of this variant is uncertain due to the absence of conclusive functional and genetic evidence.

Labcorp Genetics (formerly Invitae), Labcorp
Classification: Uncertain significance for Nephronophthisis. Last evaluated: 2023-11-27. Review status: criteria provided, single submitter. Criteria: Invitae Variant Classification Sherloc (09022015). Collection method: clinical testing. Allele origin: germline.
Comment: This sequence change replaces arginine, which is basic and polar, with histidine, which is basic and polar, at codon 478 of the NPHP1 protein (p.Arg478His). This variant is not present in population databases (gnomAD no frequency). This variant has not been reported in the literature in individuals affected with NPHP1-related conditions. ClinVar contains an entry for this variant (Variation ID: 1369011). Advanced modeling of protein sequence and biophysical properties (such as structural, functional, and spatial information, amino acid conservation, physicochemical variation, residue mobility, and thermodynamic stability) performed at Invitae indicates that this missense variant is not expected to disrupt NPHP1 protein function with a negative predictive value of 80%. In summary, the available evidence is currently insufficient to determine the role of this variant in disease. Therefore, it has been classified as a Variant of Uncertain Significance.